The following is an entry in ClinVar:

ClinVar aggregate classification (germline): Uncertain significance (1 of 4 stars; one submission).

Submission:

Ambry Genetics
Classification: Uncertain significance. Last evaluated: 2025-08-01. Review status: criteria provided, single submitter. Criteria: Ambry Variant Classification Scheme 2023. Collection method: clinical testing. Allele origin: germline.
Comment: The p.F279I variant (also known as c.835T>A), located in coding exon 9 of the FAM175A gene, results from a T to A substitution at nucleotide position 835. The phenylalanine at codon 279 is replaced by isoleucine, an amino acid with highly similar properties. This amino acid position is conserved. In addition, this alteration is predicted to be tolerated by in silico analysis. Since supporting evidence is limited at this time, the clinical significance of this alteration remains unclear.

NM_139076.3(ABRAXAS1):c.835T>A (p.Phe279Ile)

Gene: ABRAXAS1 (abraxas 1, BRCA1 A complex subunit; minus strand). Cytogenetic location: 4q21.23.
Variant type: single nucleotide variant.
Coding change: c.835T>A on transcript NM_139076.3 (MANE Select); coding-DNA position 835, T replaced by A.
Protein change: p.Phe279Ile; replaces phenylalanine 279 with isoleucine.
Molecular consequence: missense variant.
Genome position (GRCh38, 1-based): chr4:83,462,864, A>T on the plus strand (T>A on the coding strand, the complement: ABRAXAS1 is on the minus strand). VCF-style: chr4-83462864-A-T. GRCh37 (hg19) VCF-style: chr4-84384017-A-T.
Other names: c.508T>A, p.Phe170Ile (NM_001345962.2); short protein forms F170I, F279I.
Identifiers: ClinVar variation 1800342 (VCV001800342.3), dbSNP rs748047951, ClinGen allele CA357256650.